The following is an entry in ClinVar:

NM_001818.5(AKR1C4):c.709G>C (p.Glu237Gln)

Gene: AKR1C4 (aldo-keto reductase family 1 member C4; plus strand). Cytogenetic location: 10p15.1.
Variant type: single nucleotide variant.
Coding change: c.709G>C on transcript NM_001818.5 (MANE Select); coding-DNA position 709, G replaced by C.
Protein change: p.Glu237Gln; replaces glutamic acid 237 with glutamine.
Molecular consequence: missense variant.
Genome position (GRCh38, 1-based): chr10:5,213,022, G>C. VCF-style: chr10-5213022-G-C. GRCh37 (hg19) VCF-style: chr10-5254985-G-C.
Other names: c.709G>C (NM_001818.3); short protein forms E237Q.
Identifiers: ClinVar variation 2892644 (VCV002892644.4), dbSNP rs530343378, ClinGen allele CA5391575.

ClinVar aggregate classification (germline): Likely benign. Review status: criteria provided, single submitter (1 of 4 stars). 2 submissions from 2 submitters: Likely benign (1). 1 of the submissions does not count toward it. Last evaluated 2026-01-18.

Conditions:
AKR1C4-related disorder. Also called: AKR1C4-related condition.

Allele frequency attached by ClinVar (database versions not stated): TOPMed 0.00002; ExAC 0.00054; gnomAD 0.00009; 1000 Genomes Project 30x 0.00062; 1000 Genomes Project 0.00060.

Submissions (2):

Labcorp Genetics (formerly Invitae), Labcorp
Classification: Likely benign. Last evaluated: 2026-01-18. Review status: criteria provided, single submitter. Criteria: Invitae Variant Classification Sherloc (09022015). Collection method: clinical testing. Allele origin: germline.

PreventionGenetics, part of Exact Sciences
Classification: Likely benign for AKR1C4-related condition. Last evaluated: 2024-05-29. Review status: no assertion criteria provided. Collection method: clinical testing. Allele origin: germline. Not counted in ClinVar's aggregate classification.
Comment: This variant is classified as likely benign based on ACMG/AMP sequence variant interpretation guidelines (Richards et al. 2015 PMID: 25741868, with internal and published modifications).